The following is an entry in ClinVar:

NM_000222.3(KIT):c.58G>T (p.Val20Phe)

Gene: KIT (KIT proto-oncogene, receptor tyrosine kinase; plus strand). Cytogenetic location: 4q12.
Variant type: single nucleotide variant.
Coding change: c.58G>T on transcript NM_000222.3 (MANE Select); coding-DNA position 58, G replaced by T.
Protein change: p.Val20Phe; replaces valine 20 with phenylalanine.
Molecular consequence: missense variant.
Genome position (GRCh38, 1-based): chr4:54,658,072, G>T. VCF-style: chr4-54658072-G-T. GRCh37 (hg19) VCF-style: chr4-55524239-G-T.
Other names: c.58G>T, p.Val20Phe (NM_001093772.2, NM_001385284.1, NM_001385285.1 and 4 more transcripts); short protein forms V20F.
Identifiers: ClinVar variation 528589 (VCV000528589.8), dbSNP rs1553881787, ClinGen allele CA356898011.

ClinVar aggregate classification (germline): Uncertain significance. Review status: criteria provided, multiple submitters, no conflicts (2 of 4 stars). 2 submissions from 2 submitters: Uncertain significance (2). Last evaluated 2025-11-22.

Conditions:
Gastrointestinal stromal tumor. Also called: Gastrointestinal stroma tumor; Gastrointestinal stromal tumor, somatic. Identifiers: Orphanet 44890, MedGen C0238198, MeSH D046152, MONDO:0011719, OMIM 606764, HP:0100723.
Hereditary cancer-predisposing syndrome. Also called: Tumor predisposition; Hereditary neoplastic syndrome; Hereditary Cancer Syndrome; Neoplastic Syndromes, Hereditary. Identifiers: Orphanet 140162, MedGen C0027672, MeSH D009386, MONDO:0015356.

Submissions (2):

Labcorp Genetics (formerly Invitae), Labcorp
Classification: Uncertain significance for Gastrointestinal stromal tumor. Last evaluated: 2025-11-22. Review status: criteria provided, single submitter. Criteria: Invitae Variant Classification Sherloc (09022015). Collection method: clinical testing. Allele origin: germline.
Comment: This sequence change replaces valine, which is neutral and non-polar, with phenylalanine, which is neutral and non-polar, at codon 20 of the KIT protein (p.Val20Phe). This variant is not present in population databases (gnomAD no frequency). This variant has not been reported in the literature in individuals affected with KIT-related conditions. ClinVar contains an entry for this variant (Variation ID: 528589). An algorithm developed to predict the effect of missense changes on protein structure and function (PolyPhen-2) suggests that this variant is likely to be tolerated. In summary, the available evidence is currently insufficient to determine the role of this variant in disease. Therefore, it has been classified as a Variant of Uncertain Significance.

Ambry Genetics
Classification: Uncertain significance for Hereditary cancer-predisposing syndrome. Last evaluated: 2024-01-19. Review status: criteria provided, single submitter. Criteria: Ambry Variant Classification Scheme 2023. Collection method: clinical testing. Allele origin: germline.
Comment: The p.V20F variant (also known as c.58G>T), located in coding exon 1 of the KIT gene, results from a G to T substitution at nucleotide position 58. The valine at codon 20 is replaced by phenylalanine, an amino acid with highly similar properties. This amino acid position is conserved. In addition, this alteration is predicted to be tolerated by in silico analysis. Based on the available evidence, the clinical significance of this alteration remains unclear.